The following is an entry in ClinVar:

ClinVar aggregate classification (germline): Likely pathogenic. Review status: criteria provided, multiple submitters, no conflicts (2 of 4 stars). 2 submissions from 2 submitters: Likely pathogenic (2). Last evaluated 2022-09-02.

Conditions:
Developmental and epileptic encephalopathy, 53. Also called: Epileptic encephalopathy, early infantile, 53. Identifiers: MedGen C4479313, MONDO:0033362, OMIM 617389.
Early-onset Parkinson disease 20. Also called: PARKINSON DISEASE 20, AUTOSOMAL RECESSIVE EARLY-ONSET. Identifiers: Orphanet 391411, MedGen C3809824, MONDO:0014233, OMIM 615530.

Allele frequency attached by ClinVar (database versions not stated): gnomAD exomes below 0.00001.
gnomAD v4.1: 1 of 1,589,352 alleles (0.000063%); highest among the groups gnomAD compares: Non-Finnish European, 0.000085%; no homozygotes.

Submissions (2):

Labcorp Genetics (formerly Invitae), Labcorp
Classification: Likely pathogenic for Developmental and epileptic encephalopathy, 53; Early-onset Parkinson disease 20. Last evaluated: 2022-09-02. Review status: criteria provided, single submitter. Criteria: Invitae Variant Classification Sherloc (09022015). Collection method: clinical testing. Allele origin: germline.
Comment: This variant has not been reported in the literature in individuals affected with SYNJ1-related conditions. This variant is not present in population databases (gnomAD no frequency). This sequence change affects a donor splice site in intron 19 of the SYNJ1 gene. It is expected to disrupt RNA splicing. Variants that disrupt the donor or acceptor splice site typically lead to a loss of protein function (PMID: 16199547), and loss-of-function variants in SYNJ1 are known to be pathogenic (PMID: 25316601, 27435091). Algorithms developed to predict the effect of sequence changes on RNA splicing suggest that this variant may disrupt the consensus splice site. In summary, the currently available evidence indicates that the variant is pathogenic, but additional data are needed to prove that conclusively. Therefore, this variant has been classified as Likely Pathogenic.

Athena Diagnostics
Classification: Likely pathogenic. Last evaluated: 2021-11-17. Review status: criteria provided, single submitter. Criteria: Athena Diagnostics Criteria. Collection method: clinical testing. Allele origin: unknown.
Comment: This variant is expected to severely impact normal RNA splicing, and consequently, protein structure and/or function. This variant has not been reported in large, multi-ethnic general populations.

Literature cited by the submitters: PubMed 16199547 (cited by Labcorp Genetics (formerly Invitae), Labcorp); PubMed 25316601 (cited by Labcorp Genetics (formerly Invitae), Labcorp); PubMed 27435091 (cited by Labcorp Genetics (formerly Invitae), Labcorp).

NM_203446.3(SYNJ1):c.2461+2T>C

Gene: SYNJ1 (synaptojanin 1; minus strand). Cytogenetic location: 21q22.11.
Variant type: single nucleotide variant.
Coding change: c.2461+2T>C on transcript NM_203446.3 (MANE Select); the canonical splice donor site of the intron after coding-DNA position 2461, T replaced by C.
Molecular consequence: splice donor variant.
Genome position (GRCh38, 1-based): chr21:32,657,714, A>G on the plus strand (T>C on the coding strand, the complement: SYNJ1 is on the minus strand). VCF-style: chr21-32657714-A-G. GRCh37 (hg19) VCF-style: chr21-34030024-A-G.
Other names: c.2578+2T>C (NM_003895.4); c.2461+2T>C (NM_001160302.2); c.2446+2T>C (NM_001160306.2).
Identifiers: ClinVar variation 1806858 (VCV001806858.6), dbSNP rs2517541465, ClinGen allele CA410074977.
Genomic context (GRCh38, chr21:32,657,714, plus strand): 5'-CATTCCCTGCTTCCTCATAAGTTTACATTAGTTCATTTAAATAAAGAAGCCCATTTCCCA[A>G]CCTGATCTATCAAAAGGCCATTTCCTCCTTCTCCAAAGGACACGGTCTGTCCAGGCAGGG-3'